The following is an entry in ClinVar:

ClinVar aggregate classification (germline): Pathogenic (1 of 4 stars; one submission).

Submission:

Athena Diagnostics
Classification: Pathogenic. Last evaluated: 2023-07-06. Review status: criteria provided, single submitter. Criteria: Athena Diagnostics Criteria. Collection method: clinical testing. Allele origin: unknown.
Comment: This variant has been identified in at least one individual with clinical features associated with CADASIL. This variant has not been reported in large, multi-ethnic general populations. This variant alters a critical location within the protein, and is expected to severely affect function and cause disease. Greater than 90% of NOTCH3 pathogenic variants associated with CADASIL involve the gain or loss of a cysteine residue within the epidermal growth factor (EGF)-like repeat domain (PMID: 32457593, 20301673).

NM_000435.3(NOTCH3):c.1450T>A (p.Cys484Ser)

Gene: NOTCH3 (notch receptor 3; minus strand). Cytogenetic location: 19p13.12.
Variant type: single nucleotide variant.
Coding change: c.1450T>A on transcript NM_000435.3 (MANE Select); coding-DNA position 1450, T replaced by A.
Protein change: p.Cys484Ser; replaces cysteine 484 with serine.
Molecular consequence: missense variant.
Genome position (GRCh38, 1-based): chr19:15,188,277, A>T on the plus strand (T>A on the coding strand, the complement: NOTCH3 is on the minus strand). VCF-style: chr19-15188277-A-T. GRCh37 (hg19) VCF-style: chr19-15299088-A-T.
Other names: short protein forms C484S.
Identifiers: ClinVar variation 2684129 (VCV002684129.1), dbSNP rs1555728965, ClinGen allele CA404526896.